The following is an entry in ClinVar:

ClinVar aggregate classification (germline): Benign (1 of 4 stars; one submission).

Allele frequency attached by ClinVar (database versions not stated): gnomAD exomes 0.00151; gnomAD 0.01543 and 0.01657; 1000 Genomes Project 0.01677; 1000 Genomes Project 30x 0.01733; ESP Exome Variant Server 0.01774; TOPMed 0.01792.
gnomAD v4.1: 4,636 of 1,588,982 alleles (0.29%); highest among the groups gnomAD compares: African/African-American, 5.4%; 127 homozygotes.

Submission:

GeneDx
Classification: Benign. Last evaluated: 2018-06-16. Review status: criteria provided, single submitter. Criteria: GeneDx Variant Classification (06012015). Collection method: clinical testing. Allele origin: germline. Affected: yes.
Comment: This variant is considered likely benign or benign based on one or more of the following criteria: it is a conservative change, it occurs at a poorly conserved position in the protein, it is predicted to be benign by multiple in silico algorithms, and/or has population frequency not consistent with disease.

NM_001844.5(COL2A1):c.816+57C>T

Gene: COL2A1 (collagen type II alpha 1 chain; minus strand). Cytogenetic location: 12q13.11.
Variant type: single nucleotide variant.
Coding change: c.816+57C>T on transcript NM_001844.5 (MANE Select); 57 bases into the intron after coding-DNA position 816, C replaced by T.
Molecular consequence: intron variant.
Genome position (GRCh38, 1-based): chr12:47,994,367, G>A on the plus strand (C>T on the coding strand, the complement: COL2A1 is on the minus strand). VCF-style: chr12-47994367-G-A. GRCh37 (hg19) VCF-style: chr12-48388150-G-A.
Other names: c.609+57C>T (NM_033150.3).
Identifiers: ClinVar variation 679399 (VCV000679399.1), dbSNP rs116115813, ClinGen allele CA236491053.